The following is an entry in ClinVar:

ClinVar aggregate classification (germline): Conflicting classifications of pathogenicity. Review status: criteria provided, conflicting classifications (1 of 4 stars). 8 submissions from 8 submitters: Uncertain significance (7); Likely benign (1). Last evaluated 2026-08-25.

Conditions:
PIEZO1-related disorder. Also called: PIEZO1-Related Disorders; PIEZO1-related condition.
Lymphatic malformation 6 (LMPHM6). Also called: GENERALIZED LYMPHATIC DYSPLASIA OF FOTIOU; PIEZO1-related generalized lymphatic dysplasia with non-immune hydrops fetalis; Lymphedema, hereditary, III. Identifiers: Orphanet 568062, MedGen C4225184, MONDO:0014797, OMIM 616843.
Dehydrated hereditary stomatocytosis with or without pseudohyperkalemia and/or perinatal edema (DHS1). Also called: PSEUDOHYPERKALEMIA EDINBURGH; DEHYDRATED HEREDITARY STOMATOCYTOSIS AND PSEUDOHYPERKALEMIA; DEHYDRATED HEREDITARY STOMATOCYTOSIS WITH PSEUDOHYPERKALEMIA AND PERINATAL EDEMA; Pseudohyperkalemia, familial, 1, due to red cell leak; Dehydrated hereditary stomatocytosis 1 with or without pseudohyperkalemia and/or perinatal edema. Identifiers: Orphanet 3202, MedGen C4551512, MONDO:0008689, OMIM 194380.
Inborn genetic diseases. Identifiers: MedGen C0950123, MeSH D030342.

Allele frequency attached by ClinVar (database versions not stated): gnomAD exomes 0.00012; ExAC 0.00021; TOPMed 0.00023; gnomAD 0.00030 and 0.00031.
gnomAD v4.1: 1,344 of 1,549,578 alleles (0.087%); highest among the groups gnomAD compares: Non-Finnish European, 0.11%; 1 homozygote.

Submissions (8):

GeneDx
Classification: Uncertain significance. Last evaluated: 2026-08-25. Review status: criteria provided, single submitter. Criteria: GeneDx Variant Classification Process June 2021. Collection method: clinical testing. Allele origin: germline.
Comment: In silico analysis, which includes protein predictors and evolutionary conservation, supports a deleterious effect; Has not been previously published as pathogenic or benign to our knowledge

PreventionGenetics, part of Exact Sciences
Classification: Uncertain significance for PIEZO1-related condition. Last evaluated: 2025-11-26. Review status: criteria provided, single submitter. Criteria: ACMG Guidelines, 2015. Collection method: clinical testing. Allele origin: germline.
Comment: The PIEZO1 c.3181C>G variant is predicted to result in the amino acid substitution p.Pro1061Ala. To our knowledge, this variant has not been reported in the literature. This variant is reported in 0.040% of alleles in individuals of European (Non-Finnish) descent in gnomAD. At this time, the clinical significance of this variant is uncertain due to the absence of conclusive functional and genetic evidence.

ARUP Laboratories, Molecular Genetics and Genomics, ARUP Laboratories
Classification: Likely benign. Last evaluated: 2025-06-06. Review status: criteria provided, single submitter. Criteria: ARUP Molecular Germline Variant Investigation Process 2024. Collection method: clinical testing. Allele origin: germline.

Ambry Genetics
Classification: Uncertain significance for Inborn genetic diseases. Last evaluated: 2025-03-06. Review status: criteria provided, single submitter. Criteria: Ambry Variant Classification Scheme 2023. Collection method: clinical testing. Allele origin: germline.

Center for Genomic Medicine, Rigshospitalet, Copenhagen University Hospital
Classification: Uncertain significance. Last evaluated: 2025-03-04. Review status: criteria provided, single submitter. Criteria: ACMG Guidelines, 2015. Collection method: clinical testing. Allele origin: germline.

Revvity Omics, Revvity
Classification: Uncertain significance. Last evaluated: 2024-10-03. Review status: criteria provided, single submitter. Criteria: ACMG Guidelines, 2015. Collection method: clinical testing. Allele origin: germline.

Department of Pathology and Laboratory Medicine, Sinai Health System
Classification: Uncertain significance for Dehydrated hereditary stomatocytosis with or without pseudohyperkalemia and/or perinatal edema; Lymphatic malformation 6. Last evaluated: 2021-07-30. Review status: criteria provided, single submitter. Criteria: ACMG Guidelines, 2015. Collection method: research. Allele origin: germline.

Mayo Clinic Laboratories, Mayo Clinic
Classification: Uncertain significance. Last evaluated: 2020-01-06. Review status: criteria provided, single submitter. Criteria: ACMG Guidelines, 2015. Collection method: clinical testing. Allele origin: germline. Observed: 1 variant allele.

NM_001142864.4(PIEZO1):c.3181C>G (p.Pro1061Ala)

Genes: HSALR1 (HSP90AB1 associated lncRNA 1; plus strand), PIEZO1 (piezo type mechanosensitive ion channel component 1 (Er blood group); minus strand). Cytogenetic location: 16q24.3.
Variant type: single nucleotide variant.
Coding change: c.3181C>G on transcript NM_001142864.4 (MANE Select); coding-DNA position 3181, C replaced by G.
Protein change: p.Pro1061Ala; replaces proline 1061 with alanine.
Molecular consequence: missense variant.
Genome position (GRCh38, 1-based): chr16:88,731,721, G>C on the plus strand (C>G on the coding strand, the complement: PIEZO1 is on the minus strand). VCF-style: chr16-88731721-G-C. GRCh37 (hg19) VCF-style: chr16-88798129-G-C.
Other names: c.3181C>G, p.Pro1061Ala (LRG_1137t1); c.3181C>G (NM_001142864.3); short protein forms P1061A.
Identifiers: ClinVar variation 427211 (VCV000427211.28), dbSNP rs748155949, ClinGen allele CA8232557.
Genomic context (GRCh38, chr16:88,731,721, plus strand): 5'-ACAAAGCCACAAAGCCCACTCCCACCCAAGCCACGTGCCCCTCACCAATGCACAGGGCCG[G>C]GGGCATCCCCAGGCACAGCAGGTACTGGTACAGCAGGAACAGCGCCAGGAAGAGGCAGTA-3'
Protein context (NP_001136336.2, residues 1051-1071): YQYLLCLGMP[Pro1061Ala]ALCIDYPWRW